The following is an entry in ClinVar:

ClinVar aggregate classification (germline): Uncertain significance (1 of 4 stars; one submission).

Submission:

Labcorp Genetics (formerly Invitae), Labcorp
Classification: Uncertain significance. Last evaluated: 2022-09-10. Review status: criteria provided, single submitter. Criteria: Invitae Variant Classification Sherloc (09022015). Collection method: clinical testing. Allele origin: germline.
Comment: In summary, the available evidence is currently insufficient to determine the role of this variant in disease. Therefore, it has been classified as a Variant of Uncertain Significance. Experimental studies and prediction algorithms are not available or were not evaluated, and the functional significance of this variant is currently unknown. This variant has not been reported in the literature in individuals affected with ADGRV1-related conditions. This variant is not present in population databases (gnomAD no frequency). This variant, c.17902_17904del, results in the deletion of 1 amino acid(s) of the ADGRV1 protein (p.Glu5968del), but otherwise preserves the integrity of the reading frame.

NM_032119.4(ADGRV1):c.17899GAG[1] (p.Glu5968del)

Gene: ADGRV1 (adhesion G protein-coupled receptor V1; plus strand). Cytogenetic location: 5q14.3.
Variant type: Microsatellite.
Coding change: c.17899GAG[1] on transcript NM_032119.4 (MANE Select); one copy of the 3-base unit GAG starting at c.17899; the reference has two copies in a row; one copy, 3 bases deleted.
Protein change: p.Glu5968del; deletes glutamic acid 5968.
Molecular consequence: inframe deletion. On other transcripts: non-coding transcript variant (1).
Genome position (GRCh38, 1-based): chr5:90,965,460-90,965,462, GAG deleted; deleting any 3 consecutive bases within chr5:90,965,457-90,965,462 gives the same sequence; the position shown is the placement nearest the transcript's 3' end. VCF-style (leftmost placement, unchanged base first): chr5-90965456-TGAG-T. GRCh37 (hg19) VCF-style: chr5-90261273-TGAG-T.
Other names: short protein forms E5968del.
Identifiers: ClinVar variation 2117170 (VCV002117170.4), dbSNP rs2531503408, ClinGen allele CA2580613609.
Genomic context (GRCh38, chr5:90,965,456, plus strand): 5'-AAGTATCTGTTTCTTACAGATTCTGTTTCTGGCGTCTGCATACGCAAGTCCCCAACTCGC[TGAG>T]GAGAGCTGTTCAGCTATGGCTGCTGTCACACATTACCTGTATCTTTGCCAGTTTAGCTGG-3'